The following continues an entry in ClinVar:

NM_000218.3(KCNQ1):c.914G>A (p.Trp305Ter)

Gene: KCNQ1. ClinVar aggregate classification (germline): Pathogenic. Pathogenic (13).

Submissions 11 to 13 of 13:

Laboratory for Molecular Medicine, Mass General Brigham Personalized Medicine
Classification: Pathogenic for Familial long QT syndrome. Last evaluated: 2021-01-06. Review status: criteria provided, single submitter. Criteria: ACMG Guidelines, 2015. Collection method: clinical testing. Allele origin: germline. Inheritance: Autosomal dominant inheritance.
Comment: The p.Trp305X variant in KCNQ1 has been reported in at least 1 individual with long QT syndrome (LQTS) and segregated with disease in at least 3 affected relatives (Chen et al. 2003). It has also been reported by other clinical laboratories in ClinVar (Variation ID 53124) and has been identified in 0.008% (2/24762) of African chromosomes by gnomAD. This nonsense variant leads to a premature termination codon at position 305, which is predicted to lead to a truncated or absent protein. Loss-of-function variants in KCNQ1 are associated with LQTS (also known as Romano-Ward syndrome) in the heterozygous state and with Jervell and Lange-Nielsen syndrome (JLNS) in the compound heterozygous or homozygous state. In summary, this variant meets criteria to be classified as pathogenic for LQTS in an autosomal dominant manner based upon segregation studies, very low frequency in the general population, and predicted impact to the protein. ACMG/AMP criteria applied: PVS1, PM2_Supporting, PP1_Supporting.

Blueprint Genetics
Classification: Pathogenic for KCNQ1-related disorders. Last evaluated: 2019-11-26. Review status: criteria provided, single submitter. Criteria: ACMG Guidelines, 2015. Collection method: clinical testing. Allele origin: germline. Affected: yes. Observed: 2 variant alleles.

Women's Health and Genetics/Laboratory Corporation of America, LabCorp
Classification: Pathogenic for Arrhythmia. Last evaluated: 2019-07-08. Review status: criteria provided, single submitter. Criteria: LabCorp Variant Classification Summary - May 2015. Collection method: clinical testing. Allele origin: germline.
Comment: Variant summary: KCNQ1 c.914G>A (p.Trp305X) results in a premature termination codon, predicted to cause a truncation of the encoded protein or absence of the protein due to nonsense mediated decay, which are commonly known mechanisms for disease. Truncations downstream of this position have been classified as pathogenic by our laboratory. The variant allele was found at a frequency of 1.6e-05 in 249180 control chromosomes (gnomAD). c.914G>A has been reported in the literature in multiple individuals affected with Long QT Syndrome (Chen_2003, Schwartz_2009, Cuneo_2013, Lieve_2013) and drug-induced Torsades de Pointes (diTdP) (Behr_2013). These data indicate that the variant is very likely to be associated with disease. To our knowledge, no experimental evidence demonstrating an impact on protein function has been reported. Three ClinVar submissions (evaluation after 2014) cite the variant as pathogenic. Based on the evidence outlined above, the variant was classified as pathogenic.

Literature cited by the submitters: PubMed 9323054 (cited by Labcorp Genetics (formerly Invitae), Labcorp); PubMed 19862833 (cited by Labcorp Genetics (formerly Invitae), Labcorp and Women's Health and Genetics/Laboratory Corporation of America, LabCorp); PubMed 12702160 (cited by 7 submitters); PubMed 28438721 (cited by Victorian Clinical Genetics Services, Murdoch Childrens Research Institute); PubMed 20301308 (cited by Victorian Clinical Genetics Services, Murdoch Childrens Research Institute); PubMed 19632626 (cited by Victorian Clinical Genetics Services, Murdoch Childrens Research Institute); PubMed 25525159 (cited by AiLife Diagnostics); PubMed 31447099 (cited by AiLife Diagnostics and Ambry Genetics); PubMed 19716085 (cited by Ambry Genetics); PubMed 19841298 (cited by Ambry Genetics and Women's Health and Genetics/Laboratory Corporation of America, LabCorp); PubMed 23631430 (cited by Ambry Genetics and Women's Health and Genetics/Laboratory Corporation of America, LabCorp); PubMed 32695137 (cited by Ambry Genetics); PubMed 34428338 (cited by Ambry Genetics); PubMed 24223155 (cited by Women's Health and Genetics/Laboratory Corporation of America, LabCorp); PubMed 23995044 (cited by Women's Health and Genetics/Laboratory Corporation of America, LabCorp); PubMed 29876285 (cited by Women's Health and Genetics/Laboratory Corporation of America, LabCorp).